The following is an entry in ClinVar:

ClinVar aggregate classification (germline): Uncertain significance. Review status: criteria provided, multiple submitters, no conflicts (2 of 4 stars). 2 submissions from 2 submitters: Uncertain significance (2). Last evaluated 2025-07-10.

Submissions (2):

GeneDx
Classification: Uncertain significance. Last evaluated: 2025-07-10. Review status: criteria provided, single submitter. Criteria: GeneDx Variant Classification Process June 2021. Collection method: clinical testing. Allele origin: germline. Affected: yes.
Comment: Not observed at significant frequency in large population cohorts (gnomAD); In silico analysis supports that this missense variant has a deleterious effect on protein structure/function; Has not been previously published as pathogenic or benign to our knowledge

Athena Diagnostics
Classification: Uncertain significance. Last evaluated: 2023-10-27. Review status: criteria provided, single submitter. Criteria: Athena Diagnostics Criteria. Collection method: clinical testing. Allele origin: unknown.
Comment: Available data are insufficient to determine the clinical significance of the variant at this time. This variant has not been reported in large, multi-ethnic general populations. Computational tools predict that this variant is damaging.

NM_000209.4(PDX1):c.442C>T (p.Arg148Trp)

Gene: PDX1 (pancreatic and duodenal homeobox 1; plus strand). Cytogenetic location: 13q12.2.
Variant type: single nucleotide variant.
Coding change: c.442C>T on transcript NM_000209.4 (MANE Select); coding-DNA position 442, C replaced by T.
Protein change: p.Arg148Trp; replaces arginine 148 with tryptophan.
Molecular consequence: missense variant.
Genome position (GRCh38, 1-based): chr13:27,924,291, C>T. VCF-style: chr13-27924291-C-T. GRCh37 (hg19) VCF-style: chr13-28498428-C-T.
Other names: short protein forms R148W.
Identifiers: ClinVar variation 3571760 (VCV003571760.2).